The following is an entry in ClinVar:

ClinVar aggregate classification (germline): Uncertain significance (1 of 4 stars; one submission).

Conditions:
Hypertrophic cardiomyopathy 20. Identifiers: MedGen C3151267, MONDO:0013477, OMIM 613876.
Dilated cardiomyopathy 1CC (CMD1CC). Identifiers: Orphanet 154, MedGen C2751084, MONDO:0013147, OMIM 613122.

gnomAD v4.1: 2 of 1,613,814 alleles (0.00012%); highest among the groups gnomAD compares: Non-Finnish European, 0.00017%; no homozygotes.

Submission:

Labcorp Genetics (formerly Invitae), Labcorp
Classification: Uncertain significance for Dilated cardiomyopathy 1CC; Hypertrophic cardiomyopathy 20. Last evaluated: 2021-09-01. Review status: criteria provided, single submitter. Criteria: Invitae Variant Classification Sherloc (09022015). Collection method: clinical testing. Allele origin: germline.
Comment: This sequence change replaces glutamic acid with alanine at codon 643 of the NEXN protein (p.Glu643Ala). The glutamic acid residue is highly conserved and there is a moderate physicochemical difference between glutamic acid and alanine. This variant is not present in population databases (ExAC no frequency). This variant has not been reported in the literature in individuals affected with NEXN-related conditions. Algorithms developed to predict the effect of missense changes on protein structure and function are either unavailable or do not agree on the potential impact of this missense change (SIFT: "Deleterious"; PolyPhen-2: "Probably Damaging"; Align-GVGD: "Class C0"). In summary, the available evidence is currently insufficient to determine the role of this variant in disease. Therefore, it has been classified as a Variant of Uncertain Significance.

NM_144573.4(NEXN):c.1928A>C (p.Glu643Ala)

Gene: NEXN (nexilin F-actin binding protein; plus strand). Cytogenetic location: 1p31.1.
Variant type: single nucleotide variant.
Coding change: c.1928A>C on transcript NM_144573.4 (MANE Select); coding-DNA position 1928, A replaced by C.
Protein change: p.Glu643Ala; replaces glutamic acid 643 with alanine.
Molecular consequence: missense variant.
Genome position (GRCh38, 1-based): chr1:77,942,729, A>C. VCF-style: chr1-77942729-A-C. GRCh37 (hg19) VCF-style: chr1-78408414-A-C.
Other names: c.1736A>C, p.Glu579Ala (NM_001172309.2); short protein forms E579A, E643A.
Identifiers: ClinVar variation 848721 (VCV000848721.7), dbSNP rs1651487390, ClinGen allele CA340883209.